The following is an entry in ClinVar:

ClinVar aggregate classification (germline): Uncertain significance (1 of 4 stars; one submission).

Conditions:
Hereditary cancer-predisposing syndrome. Also called: Hereditary Cancer Syndrome; Hereditary neoplastic syndrome; Neoplastic Syndromes, Hereditary; Tumor predisposition. Identifiers: Orphanet 140162, MedGen C0027672, MeSH D009386, MONDO:0015356.

Submission:

Ambry Genetics
Classification: Uncertain significance for Hereditary cancer-predisposing syndrome. Last evaluated: 2022-04-28. Review status: criteria provided, single submitter. Criteria: Ambry Variant Classification Scheme 2023. Collection method: clinical testing. Allele origin: germline.
Comment: The p.I141N variant (also known as c.422T>A), located in coding exon 3 of the FLCN gene, results from a T to A substitution at nucleotide position 422. The isoleucine at codon 141 is replaced by asparagine, an amino acid with dissimilar properties. This amino acid position is conserved. In addition, this alteration is predicted to be deleterious by in silico analysis. Since supporting evidence is limited at this time, the clinical significance of this alteration remains unclear.

NM_144997.7(FLCN):c.422T>A (p.Ile141Asn)

Gene: FLCN (folliculin; minus strand). Cytogenetic location: 17p11.2.
Variant type: single nucleotide variant.
Coding change: c.422T>A on transcript NM_144997.7 (MANE Select); coding-DNA position 422, T replaced by A.
Protein change: p.Ile141Asn; replaces isoleucine 141 with asparagine.
Molecular consequence: missense variant.
Genome position (GRCh38, 1-based): chr17:17,224,118, A>T on the plus strand (T>A on the coding strand, the complement: FLCN is on the minus strand). VCF-style: chr17-17224118-A-T. GRCh37 (hg19) VCF-style: chr17-17127432-A-T.
Other names: c.476T>A, p.Ile159Asn (NM_001353229.2); c.422T>A, p.Ile141Asn (NM_001353230.2, NM_001353231.2, NM_144606.7); short protein forms I141N, I159N.
Identifiers: ClinVar variation 1738896 (VCV001738896.2), dbSNP rs2544257926, ClinGen allele CA398534603.